The following is an entry in ClinVar:

ClinVar aggregate classification (germline): Uncertain significance (1 of 4 stars; one submission).

Allele frequency attached by ClinVar (database versions not stated): gnomAD exomes below 0.00001; ExAC 0.00002.
gnomAD v4.1: 2 of 1,613,354 alleles (0.00012%); highest among the groups gnomAD compares: Non-Finnish European, 0.00017%; no homozygotes.

Submission:

Labcorp Genetics (formerly Invitae), Labcorp
Classification: Uncertain significance. Last evaluated: 2023-03-31. Review status: criteria provided, single submitter. Criteria: Invitae Variant Classification Sherloc (09022015). Collection method: clinical testing. Allele origin: germline.
Comment: An algorithm developed to predict the effect of missense changes on protein structure and function (PolyPhen-2) suggests that this variant is likely to be disruptive. This sequence change replaces leucine, which is neutral and non-polar, with serine, which is neutral and polar, at codon 1757 of the NIN protein (p.Leu1757Ser). This variant is present in population databases (rs757481569, gnomAD 0.002%). This variant has not been reported in the literature in individuals affected with NIN-related conditions. In summary, the available evidence is currently insufficient to determine the role of this variant in disease. Therefore, it has been classified as a Variant of Uncertain Significance.

NM_020921.4(NIN):c.5270T>C (p.Leu1757Ser)

Gene: NIN (ninein; minus strand). Cytogenetic location: 14q22.1.
Variant type: single nucleotide variant.
Coding change: c.5270T>C on transcript NM_020921.4 (MANE Select); coding-DNA position 5270, T replaced by C.
Protein change: p.Leu1757Ser; replaces leucine 1757 with serine.
Molecular consequence: missense variant.
Genome position (GRCh38, 1-based): chr14:50,743,447, A>G on the plus strand (T>C on the coding strand, the complement: NIN is on the minus strand). VCF-style: chr14-50743447-A-G. GRCh37 (hg19) VCF-style: chr14-51210165-A-G.
Other names: c.3131T>C, p.Leu1044Ser (NM_016350.5); c.5270T>C, p.Leu1757Ser (NM_182944.3, NM_182946.2); short protein forms L1757S, L1044S.
Identifiers: ClinVar variation 2970774 (VCV002970774.3), dbSNP rs757481569, ClinGen allele CA7181340.